The following is an entry in ClinVar:

ClinVar aggregate classification (germline): Uncertain significance. Review status: criteria provided, multiple submitters, no conflicts (2 of 4 stars). 2 submissions from 2 submitters: Uncertain significance (2). Last evaluated 2025-01-02.

Conditions:
Cardiovascular phenotype. Identifiers: MedGen CN230736.
Dilated cardiomyopathy 1J (CMD1J). Also called: CARDIOMYOPATHY, DILATED, WITH SENSORINEURAL HEARING LOSS, AUTOSOMAL DOMINANT. Identifiers: Orphanet 217622, MedGen C1854368, MONDO:0011541, OMIM 605362.

Allele frequency attached by ClinVar (database versions not stated): gnomAD exomes below 0.00001; TOPMed 0.00001.
gnomAD v4.1: 1 of 1,614,000 alleles (0.000062%); highest among the groups gnomAD compares: Non-Finnish European, 0.000085%; no homozygotes.

Submissions (2):

Labcorp Genetics (formerly Invitae), Labcorp
Classification: Uncertain significance for Dilated cardiomyopathy 1J. Last evaluated: 2025-01-02. Review status: criteria provided, single submitter. Criteria: Invitae Variant Classification Sherloc (09022015). Collection method: clinical testing. Allele origin: germline.
Comment: This sequence change replaces glycine, which is neutral and non-polar, with aspartic acid, which is acidic and polar, at codon 165 of the EYA4 protein (p.Gly165Asp). This variant is not present in population databases (gnomAD no frequency). This variant has not been reported in the literature in individuals affected with EYA4-related conditions. ClinVar contains an entry for this variant (Variation ID: 1003762). Invitae Evidence Modeling of protein sequence and biophysical properties (such as structural, functional, and spatial information, amino acid conservation, physicochemical variation, residue mobility, and thermodynamic stability) indicates that this missense variant is not expected to disrupt EYA4 protein function with a negative predictive value of 80%. In summary, the available evidence is currently insufficient to determine the role of this variant in disease. Therefore, it has been classified as a Variant of Uncertain Significance.

Ambry Genetics
Classification: Uncertain significance for Cardiovascular phenotype. Last evaluated: 2021-12-03. Review status: criteria provided, single submitter. Criteria: Ambry Variant Classification Scheme 2023. Collection method: clinical testing. Allele origin: germline.
Comment: The p.G165D variant (also known as c.494G>A), located in coding exon 7 of the EYA4 gene, results from a G to A substitution at nucleotide position 494. The glycine at codon 165 is replaced by aspartic acid, an amino acid with similar properties. This amino acid position is highly conserved in available vertebrate species. In addition, this alteration is predicted to be deleterious by in silico analysis. Since supporting evidence is limited at this time, the clinical significance of this alteration remains unclear.

NM_004100.5(EYA4):c.494G>A (p.Gly165Asp)

Gene: EYA4 (EYA transcriptional coactivator and phosphatase 4; plus strand). Cytogenetic location: 6q23.2.
Variant type: single nucleotide variant.
Coding change: c.494G>A on transcript NM_004100.5 (MANE Select); coding-DNA position 494, G replaced by A.
Protein change: p.Gly165Asp; replaces glycine 165 with aspartic acid.
Molecular consequence: missense variant.
Genome position (GRCh38, 1-based): chr6:133,462,391, G>A. VCF-style: chr6-133462391-G-A. GRCh37 (hg19) VCF-style: chr6-133783529-G-A.
Other names: c.332G>A, p.Gly111Asp (NM_001301012.2, NM_001370459.1); c.494G>A, p.Gly165Asp (NM_001301013.2, NM_172105.4); c.425G>A, p.Gly142Asp (NM_001370458.1, NM_172103.4); short protein forms G111D, G142D, G165D.
Identifiers: ClinVar variation 1003762 (VCV001003762.10), dbSNP rs1794475262, ClinGen allele CA365697899.